The following is an entry in ClinVar:

NM_020949.3(SLC7A14):c.2297T>C (p.Leu766Ser)

Gene: SLC7A14 (solute carrier family 7 member 14; minus strand). Cytogenetic location: 3q26.2.
Variant type: single nucleotide variant.
Coding change: c.2297T>C on transcript NM_020949.3 (MANE Select); coding-DNA position 2297, T replaced by C.
Protein change: p.Leu766Ser; replaces leucine 766 with serine.
Molecular consequence: missense variant.
Genome position (GRCh38, 1-based): chr3:170,467,074, A>G on the plus strand (T>C on the coding strand, the complement: SLC7A14 is on the minus strand). VCF-style: chr3-170467074-A-G. GRCh37 (hg19) VCF-style: chr3-170184862-A-G.
Other names: short protein forms L766S.
Identifiers: ClinVar variation 963878 (VCV000963878.10), dbSNP rs200480471, ClinGen allele CA2701463.

ClinVar aggregate classification (germline): Uncertain significance. Review status: criteria provided, multiple submitters, no conflicts (2 of 4 stars). 3 submissions from 3 submitters: Uncertain significance (3). Last evaluated 2025-09-02.

Allele frequency attached by ClinVar (database versions not stated): gnomAD exomes 0.00007 and 0.00014; ESP Exome Variant Server 0.00008; gnomAD 0.00008 and 0.00009; TOPMed 0.00010; ExAC 0.00013.

Submissions (3):

Labcorp Genetics (formerly Invitae), Labcorp
Classification: Uncertain significance. Last evaluated: 2025-09-02. Review status: criteria provided, single submitter. Criteria: Invitae Variant Classification Sherloc (09022015). Collection method: clinical testing. Allele origin: germline.
Comment: This sequence change replaces leucine, which is neutral and non-polar, with serine, which is neutral and polar, at codon 766 of the SLC7A14 protein (p.Leu766Ser). This variant is present in population databases (rs200480471, gnomAD 0.2%), and has an allele count higher than expected for a pathogenic variant. This variant has not been reported in the literature in individuals affected with SLC7A14-related conditions. ClinVar contains an entry for this variant (Variation ID: 963878). An algorithm developed to predict the effect of missense changes on protein structure and function (PolyPhen-2) suggests that this variant is likely to be disruptive. In summary, the available evidence is currently insufficient to determine the role of this variant in disease. Therefore, it has been classified as a Variant of Uncertain Significance.

Ambry Genetics
Classification: Uncertain significance. Last evaluated: 2025-03-18. Review status: criteria provided, single submitter. Criteria: Ambry Variant Classification Scheme 2023. Collection method: clinical testing. Allele origin: germline.

Blueprint Genetics
Classification: Uncertain significance. Last evaluated: 2024-11-14. Review status: criteria provided, single submitter. Criteria: ACMG Guidelines, 2015. Collection method: clinical testing. Allele origin: germline.